The following is an entry in ClinVar:

NM_001365951.3(KIF1B):c.*1118G>A

Gene: KIF1B (kinesin family member 1B; plus strand). Cytogenetic location: 1p36.22.
Variant type: single nucleotide variant.
Coding change: c.*1118G>A on transcript NM_001365951.3 (MANE Select); 1118 bases downstream of the stop codon, G replaced by A.
Molecular consequence: 3 prime UTR variant.
Genome position (GRCh38, 1-based): chr1:10,377,705, G>A. VCF-style: chr1-10377705-G-A. GRCh37 (hg19) VCF-style: chr1-10437763-G-A.
Other names: c.*1118G>A (NM_001365952.1, NM_015074.3).
Identifiers: ClinVar variation 291605 (VCV000291605.5), dbSNP rs7544928, ClinGen allele CA10607285.

ClinVar aggregate classification (germline): Benign (1 of 4 stars; one submission).

Conditions:
Neuroblastoma (NB). Identifiers: Orphanet 635, MedGen C0027819, MeSH D009447, MONDO:0005072, HP:0003006.

Allele frequency attached by ClinVar (database versions not stated): gnomAD exomes 0.00430; 1000 Genomes Project 0.02636; gnomAD 0.02638 and 0.02869; 1000 Genomes Project 30x 0.02873; TOPMed 0.02982.
gnomAD v4.1: 4,162 of 188,226 alleles (2.2%); highest among the groups gnomAD compares: African/African-American, 9%; 204 homozygotes.

Submission:

Illumina Laboratory Services, Illumina
Classification: Benign for Neuroblastoma. Last evaluated: 2018-01-12. Review status: criteria provided, single submitter. Criteria: ICSL Variant Classification Criteria 13 December 2019. Collection method: clinical testing. Allele origin: germline.
Comment: This variant was observed in the ICSL laboratory as part of a predisposition screen in an ostensibly healthy population. It had not been previously curated by ICSL or reported in the Human Gene Mutation Database (HGMD: prior to June 1st, 2018), and was therefore a candidate for classification through an automated scoring system. Utilizing variant allele frequency, disease prevalence and penetrance estimates, and inheritance mode, an automated score was calculated to assess if this variant is too frequent to cause the disease. Based on the score and internal cut-off values, a variant classified as benign is not then subjected to further curation. The score for this variant resulted in a classification of benign for this disease.